The following is an entry in ClinVar:

NM_001082486.2(ACD):c.476C>T (p.Ser159Phe)

Gene: ACD (ACD shelterin complex subunit and telomerase recruitment factor; minus strand). Cytogenetic location: 16q22.1.
Variant type: single nucleotide variant.
Coding change: c.476C>T on transcript NM_001082486.2 (MANE Select); coding-DNA position 476, C replaced by T.
Protein change: p.Ser159Phe; replaces serine 159 with phenylalanine.
Molecular consequence: missense variant.
Genome position (GRCh38, 1-based): chr16:67,659,246, G>A on the plus strand (C>T on the coding strand, the complement: ACD is on the minus strand). VCF-style: chr16-67659246-G-A. GRCh37 (hg19) VCF-style: chr16-67693149-G-A.
Other names: c.476C>T, p.Ser159Phe (NM_001410884.1); c.467C>T, p.Ser156Phe (NM_022914.3); short protein forms S156F, S159F.
Identifiers: ClinVar variation 2624831 (VCV002624831.2), dbSNP rs1292315289, ClinGen allele CA396354578.
Genomic context (GRCh38, chr16:67,659,246, plus strand): 5'-CACTGCACAGCGTGTTAGGATCACTGGTCAAGCTCTACAGTACCTGCATTGGACGAGGTG[G>A]ACTCTGAAAGGTGCTCCCTACAGGAAGAGAGTGGCCAGGACTCAGGAACCATGCTGAGGC-3'
Protein context (NP_001075955.2, residues 149-169): YDCLEEHLSE[Ser159Phe]TSSNAGLSLS

ClinVar aggregate classification (germline): Uncertain significance (1 of 4 stars; one submission).

Conditions:
Inborn genetic diseases. Identifiers: MedGen C0950123, MeSH D030342.

gnomAD v4.1: 1 of 1,614,128 alleles (0.000062%); highest among the groups gnomAD compares: Non-Finnish European, 0.000085%; no homozygotes.

Submission:

Ambry Genetics
Classification: Uncertain significance for Inborn genetic diseases. Last evaluated: 2023-07-27. Review status: criteria provided, single submitter. Criteria: Ambry Variant Classification Scheme 2023. Collection method: clinical testing. Allele origin: germline.
Comment: The p.S245F variant (also known as c.734C>T), located in coding exon 6 of the ACD gene, results from a C to T substitution at nucleotide position 734. The serine at codon 245 is replaced by phenylalanine, an amino acid with highly dissimilar properties. This amino acid position is conserved. In addition, this alteration is predicted to be tolerated by in silico analysis. Since supporting evidence is limited at this time, the clinical significance of this alteration remains unclear.